The following is an entry in ClinVar:

NM_006231.4(POLE):c.2935C>A (p.Leu979Met)

Gene: POLE (DNA polymerase epsilon, catalytic subunit; minus strand). Cytogenetic location: 12q24.33.
Variant type: single nucleotide variant.
Coding change: c.2935C>A on transcript NM_006231.4 (MANE Select); coding-DNA position 2935, C replaced by A.
Protein change: p.Leu979Met; replaces leucine 979 with methionine.
Molecular consequence: missense variant.
Genome position (GRCh38, 1-based): chr12:132,661,094, G>T on the plus strand (C>A on the coding strand, the complement: POLE is on the minus strand). VCF-style: chr12-132661094-G-T. GRCh37 (hg19) VCF-style: chr12-133237680-G-T.
Other names: c.2935C>A (NM_006231.2); short protein forms L979M.
Identifiers: ClinVar variation 2581686 (VCV002581686.5), dbSNP rs56081968, ClinGen allele CA387392615.

ClinVar aggregate classification (germline): Uncertain significance. Review status: criteria provided, multiple submitters, no conflicts (2 of 4 stars). 3 submissions from 3 submitters: Uncertain significance (3). Last evaluated 2025-05-29.

Conditions:
Hereditary cancer-predisposing syndrome. Also called: Tumor predisposition; Hereditary neoplastic syndrome; Neoplastic Syndromes, Hereditary; Hereditary Cancer Syndrome. Identifiers: Orphanet 140162, MedGen C0027672, MeSH D009386, MONDO:0015356.

gnomAD v4.1: 1 of 1,613,750 alleles (0.000062%); no homozygotes.

Submissions (3):

Ambry Genetics
Classification: Uncertain significance for Hereditary cancer-predisposing syndrome. Last evaluated: 2025-05-29. Review status: criteria provided, single submitter. Criteria: Ambry Variant Classification Scheme 2023. Collection method: clinical testing. Allele origin: germline.
Comment: The p.L979M variant (also known as c.2935C>A), located in coding exon 25 of the POLE gene, results from a C to A substitution at nucleotide position 2935. The leucine at codon 979 is replaced by methionine, an amino acid with highly similar properties. This amino acid position is highly conserved in available vertebrate species. In addition, this alteration is predicted to be tolerated by in silico analysis. Based on the available evidence, the clinical significance of this variant remains unclear.

Women's Health and Genetics/Laboratory Corporation of America, LabCorp
Classification: Uncertain significance. Last evaluated: 2023-08-14. Review status: criteria provided, single submitter. Criteria: LabCorp Variant Classification Summary - May 2015. Collection method: clinical testing. Allele origin: germline.
Comment: Variant summary: POLE c.2935C>A (p.Leu979Met) results in a conservative amino acid change located in the DNA-directed DNA polymerase, family B, multifunctional domain (IPR006134) of the encoded protein sequence. Three of five in-silico tools predict a damaging effect of the variant on protein function. The variant was absent in 251448 control chromosomes. The available data on variant occurrences in the general population are insufficient to allow any conclusion about variant significance. To our knowledge, no occurrence of c.2935C>A in individuals affected with Colorectal Cancer and no experimental evidence demonstrating its impact on protein function have been reported. No submitters have cited clinical-significance assessments for this variant to ClinVar after 2014. Based on the evidence outlined above, the variant was classified as uncertain significance.

Labcorp Genetics (formerly Invitae), Labcorp
Classification: Uncertain significance. Last evaluated: 2022-12-07. Review status: criteria provided, single submitter. Criteria: Invitae Variant Classification Sherloc (09022015). Collection method: clinical testing. Allele origin: germline.
Comment: In summary, the available evidence is currently insufficient to determine the role of this variant in disease. Therefore, it has been classified as a Variant of Uncertain Significance. Advanced modeling of protein sequence and biophysical properties (such as structural, functional, and spatial information, amino acid conservation, physicochemical variation, residue mobility, and thermodynamic stability) performed at Invitae indicates that this missense variant is expected to disrupt POLE protein function. This variant has not been reported in the literature in individuals affected with POLE-related conditions. This variant is not present in population databases (gnomAD no frequency). This sequence change replaces leucine, which is neutral and non-polar, with methionine, which is neutral and non-polar, at codon 979 of the POLE protein (p.Leu979Met).